The following is an entry in ClinVar:

NM_004369.4(COL6A3):c.3876G>C (p.Lys1292Asn)

Gene: COL6A3 (collagen type VI alpha 3 chain; minus strand). Cytogenetic location: 2q37.3.
Variant type: single nucleotide variant.
Coding change: c.3876G>C on transcript NM_004369.4 (MANE Select); coding-DNA position 3876, G replaced by C.
Protein change: p.Lys1292Asn; replaces lysine 1292 with asparagine.
Molecular consequence: missense variant.
Genome position (GRCh38, 1-based): chr2:237,372,141, C>G on the plus strand (G>C on the coding strand, the complement: COL6A3 is on the minus strand). VCF-style: chr2-237372141-C-G. GRCh37 (hg19) VCF-style: chr2-238280784-C-G.
Other names: c.2055G>C, p.Lys685Asn (NM_057166.5); c.3258G>C, p.Lys1086Asn (NM_057167.4, NM_057165.5); c.2655G>C, p.Lys885Asn (NM_057164.5); short protein forms K685N, K885N, K1292N, K1086N.
Identifiers: ClinVar variation 3666599 (VCV003666599.2).

ClinVar aggregate classification (germline): Uncertain significance (1 of 4 stars; one submission).

Conditions:
Bethlem myopathy 1A. Also called: MYOPATHY, BENIGN CONGENITAL, WITH CONTRACTURES; Bethlem myopathy 1; Bethlem Muscular Dystrophy. Identifiers: Orphanet 610, MedGen CN029274, MONDO:0024530, OMIM 158810.

Submission:

Labcorp Genetics (formerly Invitae), Labcorp
Classification: Uncertain significance for Bethlem myopathy 1A. Last evaluated: 2024-12-23. Review status: criteria provided, single submitter. Criteria: Invitae Variant Classification Sherloc (09022015). Collection method: clinical testing. Allele origin: germline.
Comment: This sequence change replaces lysine, which is basic and polar, with asparagine, which is neutral and polar, at codon 1292 of the COL6A3 protein (p.Lys1292Asn). This variant is not present in population databases (gnomAD no frequency). This variant has not been reported in the literature in individuals affected with COL6A3-related conditions. Invitae Evidence Modeling of protein sequence and biophysical properties (such as structural, functional, and spatial information, amino acid conservation, physicochemical variation, residue mobility, and thermodynamic stability) has been performed for this missense variant. However, the output from this modeling did not meet the statistical confidence thresholds required to predict the impact of this variant on COL6A3 protein function. In summary, the available evidence is currently insufficient to determine the role of this variant in disease. Therefore, it has been classified as a Variant of Uncertain Significance.